The following is an entry in ClinVar:

ClinVar aggregate classification (germline): Uncertain significance (1 of 4 stars; one submission).

Conditions:
Dyskeratosis congenita. Identifiers: Orphanet 1775, MedGen C0265965, MONDO:0015780.

Submission:

Ambry Genetics
Classification: Uncertain significance for Dyskeratosis congenita. Last evaluated: 2025-05-15. Review status: criteria provided, single submitter. Criteria: Ambry Variant Classification Scheme 2023. Collection method: clinical testing. Allele origin: germline.
Comment: The p.L379F variant (also known as c.1137G>T), located in coding exon 2 of the TERT gene, results from a G to T substitution at nucleotide position 1137. The leucine at codon 379 is replaced by phenylalanine, an amino acid with highly similar properties. This amino acid position is conserved. In addition, this alteration is predicted to be tolerated by in silico analysis. Based on the available evidence, the clinical significance of this variant remains unclear.

NM_198253.3(TERT):c.1137G>T (p.Leu379Phe)

Gene: TERT (telomerase reverse transcriptase; minus strand). Cytogenetic location: 5p15.33.
Variant type: single nucleotide variant.
Coding change: c.1137G>T on transcript NM_198253.3 (MANE Select); coding-DNA position 1137, G replaced by T.
Protein change: p.Leu379Phe; replaces leucine 379 with phenylalanine.
Molecular consequence: missense variant. On other transcripts: non-coding transcript variant (2).
Genome position (GRCh38, 1-based): chr5:1,293,749, C>A on the plus strand (G>T on the coding strand, the complement: TERT is on the minus strand). VCF-style: chr5-1293749-C-A. GRCh37 (hg19) VCF-style: chr5-1293864-C-A.
Other names: c.1137G>T, p.Leu379Phe (NM_001193376.3); short protein forms L379F.
Identifiers: ClinVar variation 3967364 (VCV003967364.1).